The following is an entry in ClinVar:

ClinVar aggregate classification (germline): Uncertain significance (1 of 4 stars; one submission).

Conditions:
RASopathy. Also called: rasopathies; Noonan spectrum disorder. Identifiers: Orphanet 536391, MedGen C5555857, MONDO:0021060.

Submission:

Labcorp Genetics (formerly Invitae), Labcorp
Classification: Uncertain significance for RASopathy. Last evaluated: 2025-07-13. Review status: criteria provided, single submitter. Criteria: Invitae Variant Classification Sherloc (09022015). Collection method: clinical testing. Allele origin: germline.
Comment: This sequence change falls in intron 12 of the SOS1 gene. It does not directly change the encoded amino acid sequence of the SOS1 protein. This variant is not present in population databases (gnomAD no frequency). This variant has not been reported in the literature in individuals affected with SOS1-related conditions. Algorithms developed to predict the effect of sequence changes on RNA splicing suggest that this variant may disrupt the consensus splice site. In summary, the available evidence is currently insufficient to determine the role of this variant in disease. Therefore, it has been classified as a Variant of Uncertain Significance.

NM_005633.4(SOS1):c.2064-17C>G

Gene: SOS1 (SOS Ras/Rac guanine nucleotide exchange factor 1; minus strand). Cytogenetic location: 2p22.1.
Variant type: single nucleotide variant.
Coding change: c.2064-17C>G on transcript NM_005633.4 (MANE Select); 17 bases into the intron before coding-DNA position 2064, C replaced by G.
Molecular consequence: intron variant.
Genome position (GRCh38, 1-based): chr2:39,013,580, G>C on the plus strand (C>G on the coding strand, the complement: SOS1 is on the minus strand). VCF-style: chr2-39013580-G-C. GRCh37 (hg19) VCF-style: chr2-39240721-G-C.
Other names: c.2043-17C>G (NM_001382394.1); c.2064-17C>G (NM_001382395.1).
Identifiers: ClinVar variation 4811465 (VCV004811465.1).
Genomic context (GRCh38, chr2:39,013,580, plus strand): 5'-CATAGAAGTGGTGCTCTACCCAGTGCCGACATACATTTAATACTCTATGGCATTAACACA[G>C]AATTGAATTACATGGGAATCAAACATAAATGTTTATCACAATGCACAGTACAATACAAAT-3'